The following is an entry in ClinVar:

ClinVar aggregate classification (germline): Benign/Likely benign. Review status: criteria provided, multiple submitters, no conflicts (2 of 4 stars). 33 submissions from 26 submitters: Benign (20); Likely benign (8). 5 of the submissions do not count toward it. Last evaluated 2026-04-01.

Conditions:
Dilated cardiomyopathy 1G (CMD1G). Identifiers: Orphanet 154, MedGen C1858763, MONDO:0011400, OMIM 604145.
Autosomal recessive limb-girdle muscular dystrophy type 2J (LGMDR10). Also called: MUSCULAR DYSTROPHY, LIMB-GIRDLE, AUTOSOMAL RECESSIVE 10; Limb-girdle muscular dystrophy, type 2J. Identifiers: Orphanet 140922, MedGen C1837342, MONDO:0012127, OMIM 608807.
Cardiovascular phenotype. Identifiers: MedGen CN230736.
Early-onset myopathy with fatal cardiomyopathy (CMYO5). Also called: CONGENITAL MYOPATHY 5 WITH CARDIOMYOPATHY; Salih Myopathy. Identifiers: Orphanet 289377, MedGen C2673677, MONDO:0012714, OMIM 611705. Disease mechanism: loss of function.
Hypertrophic cardiomyopathy 9. Also called: Familial hypertrophic cardiomyopathy 9. Identifiers: MedGen C1861065, MONDO:0013412, OMIM 613765.
Tibial muscular dystrophy (TMD). Also called: Udd Distal Myopathy – Tibial Muscular Dystrophy; Tibial muscular dystrophy, tardive; UDD MYOPATHY. Identifiers: Orphanet 609, MedGen C1838244, MONDO:0010870, OMIM 600334.
Myopathy, myofibrillar, 9, with early respiratory failure (MFM9). Also called: Myopathy, distal, with early respiratory failure, autosomal dominant; Hereditary myopathy with early respiratory failure; MYOPATHY, PROXIMAL, WITH EARLY RESPIRATORY MUSCLE INVOLVEMENT; EDSTROM MYOPATHY. Identifiers: Orphanet 178464, Orphanet 34521, MedGen C1863599, MONDO:0011362, OMIM 603689.
Cardiomyopathy (CMYO). Also called: Cardiomyopathies. Identifiers: Orphanet 167848, MedGen C0878544, MONDO:0004994, HP:0001638. Inheritance: Various modes of inheritance.
Heart failure. Identifiers: MedGen C0018801, MONDO:0005252.

Allele frequency attached by ClinVar (database versions not stated): ESP Exome Variant Server 0.00671; gnomAD 0.00722 and 0.00729; TOPMed 0.00492; ExAC 0.01062; gnomAD exomes 0.00904 and 0.00796; 1000 Genomes Project 30x 0.00437; 1000 Genomes Project 0.00439.
gnomAD v4.1: 14,222 of 1,608,326 alleles (0.88%); highest among the groups gnomAD compares: Non-Finnish European, 0.94%; 97 homozygotes.

Submissions 1 to 20 of 33:

CeGaT Center for Human Genetics Tuebingen
Classification: Benign. Last evaluated: 2026-04-01. Review status: criteria provided, single submitter. Criteria: CeGaT Center For Human Genetics Tuebingen Variant Classification Criteria Version 2. Collection method: clinical testing. Allele origin: germline. Affected: yes. Observed: 73 variant alleles.
Comment: TTN: BS1, BS2

Labcorp Genetics (formerly Invitae), Labcorp
Classification: Benign for Dilated cardiomyopathy 1G; Autosomal recessive limb-girdle muscular dystrophy type 2J. Last evaluated: 2026-02-03. Review status: criteria provided, single submitter. Criteria: Invitae Variant Classification Sherloc (09022015). Collection method: clinical testing. Allele origin: germline.

ARUP Laboratories, Molecular Genetics and Genomics, ARUP Laboratories
Classification: Benign. Last evaluated: 2025-07-17. Review status: criteria provided, single submitter. Criteria: ARUP Molecular Germline Variant Investigation Process 2024. Collection method: clinical testing. Allele origin: germline.

Molecular Diagnostic Laboratory for Inherited Cardiovascular Disease, Montreal Heart Institute
Classification: Benign. Last evaluated: 2025-04-09. Review status: criteria provided, single submitter. Criteria: ACMG Guidelines, 2015. Collection method: clinical testing. Allele origin: germline. Affected: no.

Mayo Clinic Laboratories, Mayo Clinic
Classification: Benign. Last evaluated: 2025-01-07. Review status: criteria provided, single submitter. Criteria: ACMG Guidelines, 2015. Collection method: clinical testing. Allele origin: germline. Observed: 40 variant alleles.
Comment: BA1, BS2, BP4

Blueprint Genetics
Classification: Likely benign. Last evaluated: 2024-11-13. Review status: criteria provided, single submitter. Criteria: ACMG Guidelines, 2015. Collection method: clinical testing. Allele origin: germline.

Fulgent Genetics
Classification: Benign for Tibial muscular dystrophy; Myopathy, myofibrillar, 9, with early respiratory failure; Dilated cardiomyopathy 1G; Autosomal recessive limb-girdle muscular dystrophy type 2J; Early-onset myopathy with fatal cardiomyopathy; Hypertrophic cardiomyopathy 9. Last evaluated: 2022-05-03. Review status: criteria provided, single submitter. Criteria: ACMG Guidelines, 2015. Collection method: clinical testing. Allele origin: unknown.

Genome-Nilou Lab
Classification: Benign for Autosomal recessive limb-girdle muscular dystrophy type 2J. Last evaluated: 2021-09-10. Review status: criteria provided, single submitter. Criteria: ACMG Guidelines, 2015. Collection method: clinical testing. Allele origin: germline. Affected: no.

Genome-Nilou Lab
Classification: Benign for Myopathy, myofibrillar, 9, with early respiratory failure. Last evaluated: 2021-09-10. Review status: criteria provided, single submitter. Criteria: ACMG Guidelines, 2015. Collection method: clinical testing. Allele origin: germline. Affected: no.

Genome-Nilou Lab
Classification: Benign for Early-onset myopathy with fatal cardiomyopathy. Last evaluated: 2021-09-10. Review status: criteria provided, single submitter. Criteria: ACMG Guidelines, 2015. Collection method: clinical testing. Allele origin: germline. Affected: no.

Genome-Nilou Lab
Classification: Benign for Tibial muscular dystrophy. Last evaluated: 2021-09-10. Review status: criteria provided, single submitter. Criteria: ACMG Guidelines, 2015. Collection method: clinical testing. Allele origin: germline. Affected: no.

Athena Diagnostics
Classification: Benign. Last evaluated: 2020-08-27. Review status: criteria provided, single submitter. Criteria: Athena Diagnostics criteria. Collection method: clinical testing. Allele origin: unknown.

Women's Health and Genetics/Laboratory Corporation of America, LabCorp
Classification: Likely benign. Last evaluated: 2020-01-11. Review status: criteria provided, single submitter. Criteria: LabCorp Variant Classification Summary - May 2015. Collection method: clinical testing. Allele origin: germline.

Mendelics
Classification: Benign for Dilated cardiomyopathy 1G. Last evaluated: 2019-05-28. Review status: criteria provided, single submitter. Criteria: Mendelics Assertion Criteria 2017. Collection method: clinical testing. Allele origin: unknown.

GeneDx
Classification: Benign. Last evaluated: 2018-12-13. Review status: criteria provided, single submitter. Criteria: GeneDx Variant Classification Process June 2021. Collection method: clinical testing. Allele origin: germline. Affected: yes.
Comment: This variant is associated with the following publications: (PMID: 24082139)

Illumina Laboratory Services, Illumina
Classification: Likely benign for Dilated cardiomyopathy 1G. Last evaluated: 2018-01-13. Review status: criteria provided, single submitter. Criteria: ICSL Variant Classification Criteria 13 December 2019. Collection method: clinical testing. Allele origin: germline.
Comment: This variant was observed in the ICSL laboratory as part of a predisposition screen in an ostensibly healthy population. It had not been previously curated by ICSL or reported in the Human Gene Mutation Database (HGMD: prior to June 1st, 2018), and was therefore a candidate for classification through an automated scoring system. Utilizing variant allele frequency, disease prevalence and penetrance estimates, and inheritance mode, an automated score was calculated to assess if this variant is too frequent to cause the disease. Based on the score and internal cut-off values, a variant classified as likely benign is not then subjected to further curation. The score for this variant resulted in a classification of likely benign for this disease.

Illumina Laboratory Services, Illumina
Classification: Likely benign for Early-onset myopathy with fatal cardiomyopathy. Last evaluated: 2018-01-13. Review status: criteria provided, single submitter. Criteria: ICSL Variant Classification Criteria 13 December 2019. Collection method: clinical testing. Allele origin: germline.
Comment: the same text as in the submission from Illumina Laboratory Services, Illumina above.

Illumina Laboratory Services, Illumina
Classification: Likely benign for Autosomal recessive limb-girdle muscular dystrophy type 2J. Last evaluated: 2018-01-13. Review status: criteria provided, single submitter. Criteria: ICSL Variant Classification Criteria 13 December 2019. Collection method: clinical testing. Allele origin: germline.
Comment: the same text as in the submission from Illumina Laboratory Services, Illumina above.

Illumina Laboratory Services, Illumina
Classification: Benign for Tibial muscular dystrophy. Last evaluated: 2018-01-13. Review status: criteria provided, single submitter. Criteria: ICSL Variant Classification Criteria 13 December 2019. Collection method: clinical testing. Allele origin: germline.
Comment: This variant was observed in the ICSL laboratory as part of a predisposition screen in an ostensibly healthy population. It had not been previously curated by ICSL or reported in the Human Gene Mutation Database (HGMD: prior to June 1st, 2018), and was therefore a candidate for classification through an automated scoring system. Utilizing variant allele frequency, disease prevalence and penetrance estimates, and inheritance mode, an automated score was calculated to assess if this variant is too frequent to cause the disease. Based on the score and internal cut-off values, a variant classified as benign is not then subjected to further curation. The score for this variant resulted in a classification of benign for this disease.

Illumina Laboratory Services, Illumina
Classification: Benign for Myopathy, myofibrillar, 9, with early respiratory failure. Last evaluated: 2018-01-13. Review status: criteria provided, single submitter. Criteria: ICSL Variant Classification Criteria 13 December 2019. Collection method: clinical testing. Allele origin: germline.
Comment: the same text as in the submission from Illumina Laboratory Services, Illumina above.

NM_001267550.2(TTN):c.14984C>G (p.Pro4995Arg)

Gene: TTN (titin; minus strand). Cytogenetic location: 2q31.2.
Variant type: single nucleotide variant.
Coding change: c.14984C>G on transcript NM_001267550.2 (MANE Select); coding-DNA position 14984, C replaced by G.
Protein change: p.Pro4995Arg; replaces proline 4995 with arginine.
Molecular consequence: missense variant. On other transcripts: intron variant (3).
Genome position (GRCh38, 1-based): chr2:178,734,940, G>C on the plus strand (C>G on the coding strand, the complement: TTN is on the minus strand). VCF-style: chr2-178734940-G-C. GRCh37 (hg19) VCF-style: chr2-179599667-G-C.
Other names: p.P3751R:CCA>CGA; p.Pro4678Arg; c.14033C>G, p.Pro4678Arg (NM_001256850.1); c.11252C>G, p.Pro3751Arg (NM_133378.4); c.13282+3142C>G (NM_003319.4); c.13858+3142C>G (NM_133437.4); c.13657+3142C>G (NM_133432.3); short protein forms P4995R, P3751R, P4678R.
Identifiers: ClinVar variation 46595 (VCV000046595.84), dbSNP rs72648927, ClinGen allele CA282678.
Genomic context (GRCh38, chr2:178,734,940, plus strand): 5'-CAAGTAACCTGGATCACAGGTGAGCCTTTCAGCTTGCAATGGAGGCGTGCTGATTCACCT[G>C]GGAGCATTAAATAAGAGGGATCCACCTTCTTCACGAAGGATGGTGGCTCTACATGAAGTT-3'
Protein context (NP_001254479.2, residues 4985-5005): KKVDPSYLML[Pro4995Arg]GESARLHCKL